The following is an entry in ClinVar:

ClinVar aggregate classification (germline): Uncertain significance (1 of 4 stars; one submission).

Conditions:
Emery-Dreifuss muscular dystrophy 5, autosomal dominant (EDMD5). Also called: EMERY-DREIFUSS MUSCULAR DYSTROPHY 5. Identifiers: Orphanet 261, MedGen C2751805, MONDO:0013072, OMIM 612999.

Allele frequency attached by ClinVar (database versions not stated): gnomAD exomes 0.00004 and 0.00002; gnomAD 0.00001; TOPMed 0.00001; ExAC 0.00001.

Submission:

Labcorp Genetics (formerly Invitae), Labcorp
Classification: Uncertain significance for Emery-Dreifuss muscular dystrophy 5, autosomal dominant. Last evaluated: 2023-08-30. Review status: criteria provided, single submitter. Criteria: Invitae Variant Classification Sherloc (09022015). Collection method: clinical testing. Allele origin: germline.
Comment: This sequence change replaces methionine, which is neutral and non-polar, with threonine, which is neutral and polar, at codon 1104 of the SYNE2 protein (p.Met1104Thr). This variant is present in population databases (rs778313924, gnomAD 0.004%). This variant has not been reported in the literature in individuals affected with SYNE2-related conditions. ClinVar contains an entry for this variant (Variation ID: 655596). Algorithms developed to predict the effect of missense changes on protein structure and function output the following: SIFT: "Not Available"; PolyPhen-2: "Benign"; Align-GVGD: "Not Available". The threonine amino acid residue is found in multiple mammalian species, which suggests that this missense change does not adversely affect protein function. In summary, the available evidence is currently insufficient to determine the role of this variant in disease. Therefore, it has been classified as a Variant of Uncertain Significance.

NM_182914.3(SYNE2):c.3311T>C (p.Met1104Thr)

Gene: SYNE2 (spectrin repeat containing nuclear envelope protein 2; plus strand). Cytogenetic location: 14q23.2.
Variant type: single nucleotide variant.
Coding change: c.3311T>C on transcript NM_182914.3 (MANE Select); coding-DNA position 3311, T replaced by C.
Protein change: p.Met1104Thr; replaces methionine 1104 with threonine.
Molecular consequence: missense variant.
Genome position (GRCh38, 1-based): chr14:63,998,286, T>C. VCF-style: chr14-63998286-T-C. GRCh37 (hg19) VCF-style: chr14-64465004-T-C.
Other names: c.3311T>C, p.Met1104Thr (NM_015180.6); short protein forms M1104T.
Identifiers: ClinVar variation 655596 (VCV000655596.6), dbSNP rs778313924, ClinGen allele CA7219926.